The following is an entry in ClinVar:

NM_006147.4(IRF6):c.961G>A (p.Val321Met)

Gene: IRF6 (interferon regulatory factor 6; minus strand). Cytogenetic location: 1q32.2.
Variant type: single nucleotide variant.
Coding change: c.961G>A on transcript NM_006147.4 (MANE Select); coding-DNA position 961, G replaced by A.
Protein change: p.Val321Met; replaces valine 321 with methionine.
Molecular consequence: missense variant.
Genome position (GRCh38, 1-based): chr1:209,790,594, C>T on the plus strand (G>A on the coding strand, the complement: IRF6 is on the minus strand). VCF-style: chr1-209790594-C-T. GRCh37 (hg19) VCF-style: chr1-209963939-C-T.
Other names: c.676G>A, p.Val226Met (NM_001206696.2); short protein forms V226M, V321M.
Identifiers: ClinVar variation 1320638 (VCV001320638.5), dbSNP rs2102536882, ClinGen allele CA344575548.

ClinVar aggregate classification (germline): Conflicting classifications of pathogenicity. Review status: criteria provided, conflicting classifications (1 of 4 stars). 2 submissions from 2 submitters: Likely pathogenic (1); Uncertain significance (1). Last evaluated 2024-04-20.

Conditions:
Orofacial cleft 6, susceptibility to (OFC6). Also called: CLEFT LIP WITH OR WITHOUT CLEFT PALATE, NONSYNDROMIC, 6. Identifiers: MedGen C1837213, MONDO:0012141, OMIM 608864.
Popliteal pterygium syndrome (PPS). Identifiers: Orphanet 294963, MedGen C0265259, MONDO:0017435.
Van der Woude syndrome. Identifiers: Orphanet 888, MedGen C0175697, MONDO:0019508.

Allele frequency attached by ClinVar (database versions not stated): gnomAD exomes below 0.00001.

Submissions (2):

Labcorp Genetics (formerly Invitae), Labcorp
Classification: Likely pathogenic for Orofacial cleft 6, susceptibility to; Van der Woude syndrome; Popliteal pterygium syndrome. Last evaluated: 2024-04-20. Review status: criteria provided, single submitter. Criteria: Invitae Variant Classification Sherloc (09022015). Collection method: clinical testing. Allele origin: germline.
Comment: This sequence change replaces valine, which is neutral and non-polar, with methionine, which is neutral and non-polar, at codon 321 of the IRF6 protein (p.Val321Met). This variant is not present in population databases (gnomAD no frequency). This missense change has been observed in individuals with Van der Woude syndrome (PMID: 12219090, 20184620, 21045959). ClinVar contains an entry for this variant (Variation ID: 1320638). Advanced modeling of protein sequence and biophysical properties (such as structural, functional, and spatial information, amino acid conservation, physicochemical variation, residue mobility, and thermodynamic stability) performed at Invitae indicates that this missense variant is expected to disrupt IRF6 protein function with a positive predictive value of 80%. In summary, the currently available evidence indicates that the variant is pathogenic, but additional data are needed to prove that conclusively. Therefore, this variant has been classified as Likely Pathogenic.

GeneDx
Classification: Uncertain significance. Last evaluated: 2021-05-05. Review status: criteria provided, single submitter. Criteria: GeneDx Variant Classification Process June 2021. Collection method: clinical testing. Allele origin: germline. Affected: yes.
Comment: Not observed in large population cohorts (Lek et al., 2016); In silico analysis supports that this missense variant has a deleterious effect on protein structure/function; This variant is associated with the following publications: (PMID: 28767310, 12219090, 20184620, 17549393, 33136784)

Literature cited by the submitters: PubMed 12219090 (cited by Labcorp Genetics (formerly Invitae), Labcorp); PubMed 20184620 (cited by Labcorp Genetics (formerly Invitae), Labcorp); PubMed 21045959 (cited by Labcorp Genetics (formerly Invitae), Labcorp).